The following is an entry in ClinVar:

NM_015340.4(LARS2):c.1464T>A (p.Thr488=)

Genes: LARS2 (leucyl-tRNA synthetase 2, mitochondrial; plus strand), LARS2-AS1 (LARS2 antisense RNA 1; minus strand). Cytogenetic location: 3p21.31.
Variant type: single nucleotide variant.
Coding change: c.1464T>A on transcript NM_015340.4 (MANE Select); coding-DNA position 1464, T replaced by A.
Protein change: p.Thr488=; no amino-acid change (threonine 488 retained).
Molecular consequence: synonymous variant.
Genome position (GRCh38, 1-based): chr3:45,491,741, T>A. VCF-style: chr3-45491741-T-A. GRCh37 (hg19) VCF-style: chr3-45533233-T-A.
Other names: c.1464T>A, p.Thr488= (NM_001368263.1).
Identifiers: ClinVar variation 4873179 (VCV004873179.2).

ClinVar aggregate classification (germline): Likely benign (1 of 4 stars; one submission).

Submission:

CeGaT Center for Human Genetics Tuebingen
Classification: Likely benign. Last evaluated: 2026-06-01. Review status: criteria provided, single submitter. Criteria: CeGaT Center For Human Genetics Tuebingen Variant Classification Criteria Version 2. Collection method: clinical testing. Allele origin: germline. Affected: yes. Observed: 1 variant allele.
Comment: LARS2: PM2:Supporting, BP4, BP7